The following is an entry in ClinVar:

ClinVar aggregate classification (germline): Uncertain significance. Review status: criteria provided, multiple submitters, no conflicts (2 of 4 stars). 2 submissions from 2 submitters: Uncertain significance (2). Last evaluated 2024-02-06.

Conditions:
Encephalopathy, acute, infection-induced (herpes-specific), susceptibility to, 6. Also called: Herpes simplex encephalitis, susceptibility to, 4. Identifiers: Orphanet 1930, MedGen C3553869, MONDO:0013921, OMIM 614850.

Allele frequency attached by ClinVar (database versions not stated): TOPMed 0.00001.

Submissions (2):

Ambry Genetics
Classification: Uncertain significance. Last evaluated: 2024-02-06. Review status: criteria provided, single submitter. Criteria: Ambry Variant Classification Scheme 2023. Collection method: clinical testing. Allele origin: germline.

Labcorp Genetics (formerly Invitae), Labcorp
Classification: Uncertain significance for Encephalopathy, acute, infection-induced (herpes-specific), susceptibility to, 6. Last evaluated: 2021-10-19. Review status: criteria provided, single submitter. Criteria: Invitae Variant Classification Sherloc (09022015). Collection method: clinical testing. Allele origin: germline.
Comment: In summary, the available evidence is currently insufficient to determine the role of this variant in disease. Therefore, it has been classified as a Variant of Uncertain Significance. Algorithms developed to predict the effect of missense changes on protein structure and function are either unavailable or do not agree on the potential impact of this missense change (SIFT: "Deleterious"; PolyPhen-2: "Probably Damaging"; Align-GVGD: "Class C15"). This variant has not been reported in the literature in individuals affected with TICAM1-related conditions. This variant is not present in population databases (ExAC no frequency). This sequence change replaces serine with tyrosine at codon 212 of the TICAM1 protein (p.Ser212Tyr). The serine residue is highly conserved and there is a large physicochemical difference between serine and tyrosine.

NM_182919.4(TICAM1):c.635C>A (p.Ser212Tyr)

Gene: TICAM1 (TIR domain containing adaptor molecule 1; minus strand). Cytogenetic location: 19p13.3.
Variant type: single nucleotide variant.
Coding change: c.635C>A on transcript NM_182919.4 (MANE Select); coding-DNA position 635, C replaced by A.
Protein change: p.Ser212Tyr; replaces serine 212 with tyrosine.
Molecular consequence: missense variant. On other transcripts: 5 prime UTR variant (1).
Genome position (GRCh38, 1-based): chr19:4,817,743, G>T on the plus strand (C>A on the coding strand, the complement: TICAM1 is on the minus strand). VCF-style: chr19-4817743-G-T. GRCh37 (hg19) VCF-style: chr19-4817755-G-T.
Other names: c.635C>A (NM_182919.2); c.593C>A, p.Ser198Tyr (NM_001385678.1); c.500C>A, p.Ser167Tyr (NM_001385679.1); c.-8C>A (NM_001385680.1); short protein forms S167Y, S198Y, S212Y.
Identifiers: ClinVar variation 1393250 (VCV001393250.5), dbSNP rs1222745582, ClinGen allele CA403492192.
Genomic context (GRCh38, chr19:4,817,743, plus strand): 5'-TCACAGAGCTTGCTGGGCCCATGTGGGCTGCGGTGCAGGCTGAGGAAGGGCATGGTAGGG[G>T]ACTGGCTGATTTCCAAGTTGCTGGCCAGGGAGGCAGGGCTGCCAGTGGATCGCAGGGAGC-3'
Protein context (NP_891549.1, residues 202-222): SLASNLEISQ[Ser212Tyr]PTMPFLSLHR